The following is an entry in ClinVar:

NM_033453.4(ITPA):c.577_584dup (p.Ter195TrpextTer?)

Gene: ITPA (inosine triphosphatase; plus strand). Cytogenetic location: 20p13.
Variant type: Duplication.
Coding change: c.577_584dup on transcript NM_033453.4 (MANE Select); coding-DNA positions 577 to 584, 8 bases duplicated (GCAGCTTG; older notation c.577_584dupGCAGCTTG).
Protein change: p.Ter195TrpextTer?.
Molecular consequence: frameshift variant, stop lost. On other transcripts: non-coding transcript variant (2), intron variant (1).
Genome position (GRCh38, 1-based): chr20:3,223,454-3,223,461, GCAGCTTG duplicated; duplicating any 8 consecutive bases within chr20:3,223,451-3,223,461 gives the same sequence; the c. name uses the placement nearest the transcript's 3' end. VCF-style (leftmost placement, unchanged base first): chr20-3223450-T-TTTGGCAGC. GRCh37 (hg19) VCF-style: chr20-3204096-T-TTTGGCAGC.
Other names: c.454_461dup, p.Ter154TrpextTer? (NM_001267623.2); c.240_247dup, p.Asp83fs (NM_001324236.2, NM_001324237.2, NM_001324238.2 and 1 more transcripts); c.526_533dup, p.Ter178TrpextTer? (NM_181493.4); c.412-3229_412-3222dup (NM_001324240.2); short protein forms D83fs.
Identifiers: ClinVar variation 954136 (VCV000954136.10), dbSNP rs757922816, ClinGen allele CA9741372.

ClinVar aggregate classification (germline): Uncertain significance (1 of 4 stars; one submission).

Conditions:
Inosine triphosphatase deficiency. Also called: INOSINE TRIPHOSPHATE PYROPHOSPHOHYDROLASE DEFICIENCY. Identifiers: MedGen C0342800, MONDO:0013461, OMIM 613850.

Submission:

Labcorp Genetics (formerly Invitae), Labcorp
Classification: Uncertain significance for Inosine triphosphatase deficiency. Last evaluated: 2022-10-18. Review status: criteria provided, single submitter. Criteria: Invitae Variant Classification Sherloc (09022015). Collection method: clinical testing. Allele origin: germline.
Comment: ClinVar contains an entry for this variant (Variation ID: 954136). In summary, the available evidence is currently insufficient to determine the role of this variant in disease. Therefore, it has been classified as a Variant of Uncertain Significance. Experimental studies and prediction algorithms are not available or were not evaluated, and the functional significance of this variant is currently unknown. This variant has not been reported in the literature in individuals affected with ITPA-related conditions. This variant is present in population databases (rs757922816, gnomAD 0.0009%). This sequence change disrupts the translational stop signal of the ITPA mRNA. It is expected to extend the length of the ITPA protein by 31 additional amino acid residues.